The following is an entry in ClinVar:

NM_130837.3(OPA1):c.2867C>T (p.Thr956Ile)

Gene: OPA1 (OPA1 mitochondrial dynamin like GTPase; plus strand). Cytogenetic location: 3q29.
Variant type: single nucleotide variant.
Coding change: c.2867C>T on transcript NM_130837.3 (MANE Select); coding-DNA position 2867, C replaced by T.
Protein change: p.Thr956Ile; replaces threonine 956 with isoleucine.
Molecular consequence: missense variant.
Genome position (GRCh38, 1-based): chr3:193,666,384, C>T. VCF-style: chr3-193666384-C-T. GRCh37 (hg19) VCF-style: chr3-193384173-C-T.
Other names: c.2333C>T, p.Thr778Ile (NM_001354663.2); c.2330C>T, p.Thr777Ile (NM_001354664.2); c.2702C>T, p.Thr901Ile (NM_015560.3); c.2594C>T, p.Thr865Ile (NM_130831.3); c.2648C>T, p.Thr883Ile (NM_130832.3); c.2705C>T, p.Thr902Ile (NM_130833.3); c.2756C>T, p.Thr919Ile (NM_130834.3); c.2759C>T, p.Thr920Ile (NM_130835.3); and 1 more; short protein forms T777I, T883I, T902I, T778I, T901I, T956I, T865I, T919I.
Identifiers: ClinVar variation 2876727 (VCV002876727.5), dbSNP rs1336102265, ClinGen allele CA355796843.

ClinVar aggregate classification (germline): Uncertain significance. Review status: criteria provided, multiple submitters, no conflicts (2 of 4 stars). 2 submissions from 2 submitters: Uncertain significance (2). Last evaluated 2024-11-21.

Allele frequency attached by ClinVar (database versions not stated): gnomAD exomes below 0.00001.
gnomAD v4.1: 2 of 1,612,538 alleles (0.00012%); highest among the groups gnomAD compares: Admixed American, 0.0017%; no homozygotes.

Submissions (2):

GeneDx
Classification: Uncertain significance. Last evaluated: 2024-11-21. Review status: criteria provided, single submitter. Criteria: GeneDx Variant Classification Process June 2021. Collection method: clinical testing. Allele origin: germline.
Comment: In silico analysis supports that this missense variant has a deleterious effect on protein structure/function; Has not been previously published as pathogenic or benign to our knowledge; Not observed at significant frequency in large population cohorts (gnomAD)

Labcorp Genetics (formerly Invitae), Labcorp
Classification: Uncertain significance. Last evaluated: 2023-11-19. Review status: criteria provided, single submitter. Criteria: Invitae Variant Classification Sherloc (09022015). Collection method: clinical testing. Allele origin: germline.
Comment: This sequence change replaces threonine, which is neutral and polar, with isoleucine, which is neutral and non-polar, at codon 901 of the OPA1 protein (p.Thr901Ile). This variant is present in population databases (no rsID available, gnomAD 0.003%). This variant has not been reported in the literature in individuals affected with OPA1-related conditions. Advanced modeling of protein sequence and biophysical properties (such as structural, functional, and spatial information, amino acid conservation, physicochemical variation, residue mobility, and thermodynamic stability) performed at Invitae indicates that this missense variant is not expected to disrupt OPA1 protein function with a negative predictive value of 80%. In summary, the available evidence is currently insufficient to determine the role of this variant in disease. Therefore, it has been classified as a Variant of Uncertain Significance.